The following is an entry in ClinVar:

NM_002857.4(PEX19):c.869G>C (p.Gly290Ala)

Gene: PEX19 (peroxisomal biogenesis factor 19; minus strand). Cytogenetic location: 1q23.2.
Variant type: single nucleotide variant.
Coding change: c.869G>C on transcript NM_002857.4 (MANE Select); coding-DNA position 869, G replaced by C.
Protein change: p.Gly290Ala; replaces glycine 290 with alanine.
Molecular consequence: missense variant. On other transcripts: non-coding transcript variant (2).
Genome position (GRCh38, 1-based): chr1:160,279,582, C>G on the plus strand (G>C on the coding strand, the complement: PEX19 is on the minus strand). VCF-style: chr1-160279582-C-G. GRCh37 (hg19) VCF-style: chr1-160249372-C-G.
Other names: c.817G>C, p.Val273Leu (NM_001193644.1); short protein forms G290A, V273L.
Identifiers: ClinVar variation 2057388 (VCV002057388.1), dbSNP rs373099805, ClinGen allele CA1197197.

ClinVar aggregate classification (germline): Uncertain significance (1 of 4 stars; one submission).

Conditions:
Peroxisome biogenesis disorder 12A (Zellweger). Also called: Peroxisome biogenesis disorder 12A. Identifiers: Orphanet 912, MedGen C3554002, MONDO:0013951, OMIM 614886.

Allele frequency attached by ClinVar (database versions not stated): gnomAD 0.00001; ESP Exome Variant Server 0.00008; ExAC 0.00011.

Submission:

Labcorp Genetics (formerly Invitae), Labcorp
Classification: Uncertain significance for Peroxisome biogenesis disorder 12A (Zellweger). Last evaluated: 2022-05-22. Review status: criteria provided, single submitter. Criteria: Invitae Variant Classification Sherloc (09022015). Collection method: clinical testing. Allele origin: germline.
Comment: This sequence change replaces glycine, which is neutral and non-polar, with alanine, which is neutral and non-polar, at codon 290 of the PEX19 protein (p.Gly290Ala). This variant is present in population databases (rs373099805, gnomAD 0.01%). This variant has not been reported in the literature in individuals affected with PEX19-related conditions. Algorithms developed to predict the effect of missense changes on protein structure and function (SIFT, PolyPhen-2, Align-GVGD) all suggest that this variant is likely to be tolerated. In summary, the available evidence is currently insufficient to determine the role of this variant in disease. Therefore, it has been classified as a Variant of Uncertain Significance.